The following is an entry in ClinVar:

ClinVar aggregate classification (germline): Uncertain significance (1 of 4 stars; one submission).

Allele frequency attached by ClinVar (database versions not stated): gnomAD exomes below 0.00001.
gnomAD v4.1: 2 of 1,614,138 alleles (0.00012%); highest among the groups gnomAD compares: Non-Finnish European, 0.00017%; no homozygotes.

Submission:

Labcorp Genetics (formerly Invitae), Labcorp
Classification: Uncertain significance. Last evaluated: 2022-10-25. Review status: criteria provided, single submitter. Criteria: Invitae Variant Classification Sherloc (09022015). Collection method: clinical testing. Allele origin: germline.
Comment: In summary, the available evidence is currently insufficient to determine the role of this variant in disease. Therefore, it has been classified as a Variant of Uncertain Significance. Algorithms developed to predict the effect of missense changes on protein structure and function (SIFT, PolyPhen-2, Align-GVGD) all suggest that this variant is likely to be tolerated. ClinVar contains an entry for this variant (Variation ID: 850741). This variant has not been reported in the literature in individuals affected with AHR-related conditions. The frequency data for this variant in the population databases is considered unreliable, as metrics indicate poor data quality at this position in the gnomAD database. This sequence change replaces alanine, which is neutral and non-polar, with serine, which is neutral and polar, at codon 472 of the AHR protein (p.Ala472Ser).

NM_001621.5(AHR):c.1414G>T (p.Ala472Ser)

Gene: AHR (aryl hydrocarbon receptor; plus strand). Cytogenetic location: 7p21.1.
Variant type: single nucleotide variant.
Coding change: c.1414G>T on transcript NM_001621.5 (MANE Select); coding-DNA position 1414, G replaced by T.
Protein change: p.Ala472Ser; replaces alanine 472 with serine.
Molecular consequence: missense variant.
Genome position (GRCh38, 1-based): chr7:17,339,239, G>T. VCF-style: chr7-17339239-G-T. GRCh37 (hg19) VCF-style: chr7-17378863-G-T.
Other names: short protein forms A472S.
Identifiers: ClinVar variation 850741 (VCV000850741.9), dbSNP rs1338896259, ClinGen allele CA366894099.